The following is an entry in ClinVar:

ClinVar aggregate classification (germline): Benign. Review status: criteria provided, multiple submitters, no conflicts (2 of 4 stars). 2 submissions from 2 submitters: Benign (2). Last evaluated 2018-01-13.

Conditions:
Autosomal recessive polycystic kidney disease (ARPKD). Also called: AR polycystic kidney disease. Identifiers: Orphanet 731, Orphanet 8378, MedGen C0085548, MeSH D017044, MONDO:0009889.

Allele frequency attached by ClinVar (database versions not stated): gnomAD exomes 0.10744; gnomAD 0.12218 and 0.12333; TOPMed 0.12547; 1000 Genomes Project 30x 0.13086; 1000 Genomes Project 0.13159.
gnomAD v4.1: 44,093 of 389,802 alleles (11%); highest among the groups gnomAD compares: African/African-American, 18%; 2,698 homozygotes.

Submissions (2):

Illumina Laboratory Services, Illumina
Classification: Benign for Polycystic kidney disease 4. Last evaluated: 2018-01-13. Review status: criteria provided, single submitter. Criteria: ICSL Variant Classification Criteria 13 December 2019. Collection method: clinical testing. Allele origin: germline.
Comment: This variant was observed in the ICSL laboratory as part of a predisposition screen in an ostensibly healthy population. It had not been previously curated by ICSL or reported in the Human Gene Mutation Database (HGMD: prior to June 1st, 2018), and was therefore a candidate for classification through an automated scoring system. Utilizing variant allele frequency, disease prevalence and penetrance estimates, and inheritance mode, an automated score was calculated to assess if this variant is too frequent to cause the disease. Based on the score and internal cut-off values, a variant classified as benign is not then subjected to further curation. The score for this variant resulted in a classification of benign for this disease.

Department of Pathology and Laboratory Medicine, Sinai Health System
Classification: Benign for autosomal recessive polycystic kidney disease. Last evaluated: 2016-02-19. Review status: criteria provided, single submitter. Criteria: ACMG Guidelines, 2015. Collection method: clinical testing. Allele origin: germline.

NM_138694.4(PKHD1):c.*2208A>G

Gene: PKHD1 (PKHD1 ciliary IPT domain containing fibrocystin/polyductin; minus strand). Cytogenetic location: 6p12.3.
Variant type: single nucleotide variant.
Coding change: c.*2208A>G on transcript NM_138694.4 (MANE Select); 2208 bases downstream of the stop codon, A replaced by G.
Molecular consequence: 3 prime UTR variant.
Genome position (GRCh38, 1-based): chr6:51,616,873, T>C on the plus strand (A>G on the coding strand, the complement: PKHD1 is on the minus strand). VCF-style: chr6-51616873-T-C. GRCh37 (hg19) VCF-style: chr6-51481671-T-C.
Identifiers: ClinVar variation 357373 (VCV000357373.6), dbSNP rs2784200, ClinGen allele CA10627227.